The following is an entry in ClinVar:

NM_001267550.2(TTN):c.46061A>G (p.Tyr15354Cys)

Gene: TTN (titin; minus strand). Cytogenetic location: 2q31.2.
Variant type: single nucleotide variant.
Coding change: c.46061A>G on transcript NM_001267550.2 (MANE Select); coding-DNA position 46061, A replaced by G.
Protein change: p.Tyr15354Cys; replaces tyrosine 15354 with cysteine.
Molecular consequence: missense variant.
Genome position (GRCh38, 1-based): chr2:178,620,460, T>C on the plus strand (A>G on the coding strand, the complement: TTN is on the minus strand). VCF-style: chr2-178620460-T-C. GRCh37 (hg19) VCF-style: chr2-179485187-T-C.
Other names: c.41138A>G, p.Tyr13713Cys (NM_001256850.1); c.18866A>G, p.Tyr6289Cys (NM_003319.4); c.38357A>G, p.Tyr12786Cys (NM_133378.4); c.19241A>G, p.Tyr6414Cys (NM_133432.3); c.19442A>G, p.Tyr6481Cys (NM_133437.4); short protein forms Y12786C, Y15354C, Y13713C, Y6289C, Y6481C, Y6414C.
Identifiers: ClinVar variation 263615 (VCV000263615.7), dbSNP rs886038861, ClinGen allele CA10587502.

ClinVar aggregate classification (germline): Uncertain significance. Review status: criteria provided, multiple submitters, no conflicts (2 of 4 stars). 2 submissions from 2 submitters: Uncertain significance (2). Last evaluated 2017-05-09.

Conditions:
Dilated cardiomyopathy 1G (CMD1G). Identifiers: Orphanet 154, MedGen C1858763, MONDO:0011400, OMIM 604145.
Autosomal recessive limb-girdle muscular dystrophy type 2J (LGMDR10). Also called: Limb-girdle muscular dystrophy, type 2J; MUSCULAR DYSTROPHY, LIMB-GIRDLE, AUTOSOMAL RECESSIVE 10. Identifiers: Orphanet 140922, MedGen C1837342, MONDO:0012127, OMIM 608807.
Cardiovascular phenotype. Identifiers: MedGen CN230736.

Allele frequency attached by ClinVar (database versions not stated): gnomAD exomes 0.00001 and below 0.00001.
gnomAD v4.1: 20 of 1,612,404 alleles (0.0012%); highest among the groups gnomAD compares: African/African-American, 0.0027%; no homozygotes.

Submissions (2):

Labcorp Genetics (formerly Invitae), Labcorp
Classification: Uncertain significance for Dilated cardiomyopathy 1G; Autosomal recessive limb-girdle muscular dystrophy type 2J. Last evaluated: 2017-05-09. Review status: criteria provided, single submitter. Criteria: Invitae Variant Classification Sherloc (09022015). Collection method: clinical testing. Allele origin: germline.

Ambry Genetics
Classification: Uncertain significance for Cardiovascular phenotype. Last evaluated: 2015-10-22. Review status: criteria provided, single submitter. Criteria: Ambry Variant Classification Scheme 2023. Collection method: clinical testing. Allele origin: germline.
Comment: The p.Y12786C variant (also known as c.38357A>G), located in coding exon 196 of the TTN gene, results from an A to G substitution at nucleotide position 38357. The tyrosine at codon 12786 is replaced by cysteine, an amino acid with highly dissimilar properties. This variant was not reported in population based cohorts in the following databases: Database of Single Nucleotide Polymorphisms (dbSNP), NHLBI Exome Sequencing Project (ESP), and 1000 Genomes Project. In the ESP, this variant was not observed in 6058 samples (12116 alleles) with coverage at this position. This amino acid position is highly conserved through mammals but not in all available vertebrate species. In addition, this alteration is predicted to be tolerated by in silico analysis. Since supporting evidence is limited at this time, the clinical significance of this variant remains unclear.